The following is an entry in ClinVar:

NM_021008.4(DEAF1):c.1288C>T (p.Pro430Ser)

Genes: DEAF1 (DEAF1 transcription factor; minus strand), LOC126861109 (BRD4-independent group 4 enhancer GRCh37_chr11:673917-675116; plus strand). Cytogenetic location: 11p15.5.
Variant type: single nucleotide variant.
Coding change: c.1288C>T on transcript NM_021008.4 (MANE Select); coding-DNA position 1288, C replaced by T.
Protein change: p.Pro430Ser; replaces proline 430 with serine.
Molecular consequence: missense variant.
Genome position (GRCh38, 1-based): chr11:674,751, G>A on the plus strand (C>T on the coding strand, the complement: DEAF1 is on the minus strand). VCF-style: chr11-674751-G-A. GRCh37 (hg19) VCF-style: chr11-674751-G-A.
Other names: c.1021C>T, p.Pro341Ser (NM_001293634.2); c.562C>T, p.Pro188Ser (NM_001367390.1); short protein forms P188S, P341S, P430S.
Identifiers: ClinVar variation 1949864 (VCV001949864.5), dbSNP rs1423354344, ClinGen allele CA378924442.
Genomic context (GRCh38, chr11:674,751, plus strand): 5'-GCTCTGACAGCTCCAGCCCATTGACCAACGCGGGAGGTGCCGCTTTGGTGGGAGTCGGGG[G>A]TGGGACCGCCAGCGCAGGCAGGGATGTCAACACTAGAGCATTTGGAAAGCAAAACAAACC-3'
Protein context (NP_066288.2, residues 420-440): LTSLPALAVP[Pro430Ser]PTPTKAAPPA

ClinVar aggregate classification (germline): Uncertain significance (1 of 4 stars; one submission).

Allele frequency attached by ClinVar (database versions not stated): gnomAD exomes below 0.00001; gnomAD 0.00001; TOPMed 0.00001.
gnomAD v4.1: 9 of 1,613,170 alleles (0.00056%); highest among the groups gnomAD compares: East Asian, 0.0045%; no homozygotes.

Submission:

Labcorp Genetics (formerly Invitae), Labcorp
Classification: Uncertain significance. Last evaluated: 2025-06-03. Review status: criteria provided, single submitter. Criteria: Invitae Variant Classification Sherloc (09022015). Collection method: clinical testing. Allele origin: germline.
Comment: This sequence change replaces proline, which is neutral and non-polar, with serine, which is neutral and polar, at codon 430 of the DEAF1 protein (p.Pro430Ser). This variant is not present in population databases (gnomAD no frequency). This variant has not been reported in the literature in individuals affected with DEAF1-related conditions. ClinVar contains an entry for this variant (Variation ID: 1949864). Invitae Evidence Modeling of protein sequence and biophysical properties (such as structural, functional, and spatial information, amino acid conservation, physicochemical variation, residue mobility, and thermodynamic stability) has been performed for this missense variant. However, the output from this modeling did not meet the statistical confidence thresholds required to predict the impact of this variant on DEAF1 protein function. In summary, the available evidence is currently insufficient to determine the role of this variant in disease. Therefore, it has been classified as a Variant of Uncertain Significance.